The following is an entry in ClinVar:

ClinVar aggregate classification (germline): Conflicting classifications of pathogenicity. Review status: criteria provided, conflicting classifications (1 of 4 stars). 10 submissions from 10 submitters: Uncertain significance (7); Likely benign (2). 1 of the submissions does not count toward it. Last evaluated 2025-09-30.

Conditions:
Hereditary cancer-predisposing syndrome. Also called: Hereditary Cancer Syndrome; Tumor predisposition; Hereditary neoplastic syndrome; Neoplastic Syndromes, Hereditary. Identifiers: Orphanet 140162, MedGen C0027672, MeSH D009386, MONDO:0015356.
Hereditary breast ovarian cancer syndrome. Also called: Hereditary breast and/or ovarian cancer syndrome; Breast and ovarian cancer; BRCA1- and BRCA2-Associated Hereditary Breast and Ovarian Cancer; Hereditary breast and ovarian cancer syndrome (HBOC); Hereditary breast and ovarian cancer syndrome; Hereditary breast and ovarian cancer. Identifiers: Orphanet 145, MedGen C0677776, MeSH D061325, MONDO:0003582. Disease mechanism: loss of function.
Breast-ovarian cancer, familial, susceptibility to, 2 (BROVCA2). Also called: BRCA2 Hereditary Breast and Ovarian Cancer. Identifiers: Orphanet 145, MedGen C2675520, MONDO:0012933, OMIM 612555. Disease mechanism: loss of function.

Allele frequency attached by ClinVar (database versions not stated): gnomAD exomes below 0.00001; TOPMed below 0.00001.
gnomAD v4.1: 2 of 1,614,046 alleles (0.00012%); highest among the groups gnomAD compares: Non-Finnish European, 0.00017%; no homozygotes.

Submissions (10):

Labcorp Genetics (formerly Invitae), Labcorp
Classification: Uncertain significance for Hereditary breast ovarian cancer syndrome. Last evaluated: 2025-09-30. Review status: criteria provided, single submitter. Criteria: Invitae Variant Classification Sherloc (09022015). Collection method: clinical testing. Allele origin: germline.
Comment: This sequence change replaces lysine, which is basic and polar, with arginine, which is basic and polar, at codon 1967 of the BRCA2 protein (p.Lys1967Arg). This variant is not present in population databases (gnomAD no frequency). This missense change has been observed in individual(s) with ovarian cancer (PMID: 33273034). ClinVar contains an entry for this variant (Variation ID: 418085). Invitae Evidence Modeling of protein sequence and biophysical properties (such as structural, functional, and spatial information, amino acid conservation, physicochemical variation, residue mobility, and thermodynamic stability) indicates that this missense variant is not expected to disrupt BRCA2 protein function with a negative predictive value of 95%. In summary, the available evidence is currently insufficient to determine the role of this variant in disease. Therefore, it has been classified as a Variant of Uncertain Significance.

Quest Diagnostics Nichols Institute San Juan Capistrano
Classification: Uncertain significance. Last evaluated: 2025-07-25. Review status: criteria provided, single submitter. Criteria: Quest Diagnostics criteria. Collection method: clinical testing. Allele origin: unknown.
Comment: The BRCA2 c.5900A>G (p.Lys1967Arg) variant has been reported in the published literature in individuals with ovarian cancer (PMID: 33273034 (2022)), kidney cancer (PMID: 38002934 (2023)), in a reportedly unaffected individual (PMID: 33471991 (2021), see also LOVD), and described to be located in a region of the BRCA2 gene that is tolerant to missense sequence changes (PMID: 31911673 (2020)). This variant has not been reported in large, multi-ethnic general populations (Genome Aggregation Database). Analysis of this variant using bioinformatics tools for the prediction of the effect of amino acid changes on protein structure and function yielded predictions that this variant is benign. Based on the available information, we are unable to determine the clinical significance of this variant.

Color Diagnostics, LLC DBA Color Health
Classification: Uncertain significance for Hereditary cancer-predisposing syndrome. Last evaluated: 2025-06-18. Review status: criteria provided, single submitter. Criteria: ACMG Guidelines, 2015. Collection method: clinical testing. Allele origin: germline.
Comment: This missense variant replaces lysine with arginine at codon 1967 of the BRCA2 protein. Computational prediction suggests that this variant may not impact protein structure and function. To our knowledge, functional studies have not been reported for this variant. This variant has been reported in one individual each affected with ovarian cancer and clear cell renal cancer (PMID: 33273034, 38002934) and this variant has been detected in a breast cancer case-control meta-analysis in 0/60466 cases and 1/53461 unaffected individuals (PMID: 33471991Leiden Open Variation Database DB-ID BRCA2_002903). A multifactorial analysis has reported likelihood ratio based on segregation data for one family of 0.6356 (PMID: 31131967). This variant has not been identified in the general population by the Genome Aggregation Database (gnomAD). The available evidence is insufficient to determine the role of this variant in disease conclusively. Therefore, this variant is classified as a Variant of Uncertain Significance.

Genetic Services Laboratory, University of Chicago
Classification: Uncertain significance. Last evaluated: 2025-05-05. Review status: criteria provided, single submitter. Criteria: ACMG Guidelines, 2015. Collection method: clinical testing. Allele origin: germline.
Comment: The c.5900A>G variant: Results in an amino acid change, p.Lys1967Arg. Does not appear to have been previously described in individuals with BRCA2-related disorders. Is reported in the gnomAD v4 database with a frequency of 0.00017% in the non-Finnish European subpopulation (dbSNP rs959089047). Affects a poorly conserved amino acid residue located in a domain of the BRCA2 protein that is known to be functional. Appears to be benign using several in-silico pathogenicity prediction tools. ClinVar contains an entry for this variant (Variation ID: 418085). Due to insufficient evidence and the lack of functional studies, the clinical significance of the p.Lys1967Arg variant remains unknown at this time.

Ambry Genetics
Classification: Likely benign for Hereditary cancer-predisposing syndrome. Last evaluated: 2024-12-05. Review status: criteria provided, single submitter. Criteria: Ambry Variant Classification Scheme 2023. Collection method: clinical testing. Allele origin: germline.

All of Us Research Program, National Institutes of Health
Classification: Uncertain significance for Breast-ovarian cancer, familial, susceptibility to, 2. Last evaluated: 2024-01-11. Review status: criteria provided, single submitter. Criteria: ACMG Guidelines, 2015. Collection method: clinical testing. Allele origin: germline. Inheritance: Autosomal dominant inheritance. Observed: 2 variant alleles, 2 heterozygotes.
Comment: This missense variant replaces lysine with arginine at codon 1967 of the BRCA2 protein. Computational prediction suggests that this variant may not impact protein structure and function (internally defined REVEL score threshold <= 0.5, PMID: 27666373). To our knowledge, functional studies have not been reported for this variant. This variant has been reported in an individual affected with ovarian cancer and in one unaffected individual (PMID: 33273034, 33471991; Leiden Open Variation Database DB-ID BRCA2_002903). This variant has not been identified in the general population by the Genome Aggregation Database (gnomAD). The available evidence is insufficient to determine the role of this variant in disease conclusively. Therefore, this variant is classified as a Variant of Uncertain Significance.

This study involves interpretation of variants in research participants for the purpose of population health screening. Participant phenotype was not available at the time of variant classification. Additional details can be found in publication PMID: 35346344, PMCID: PMC8962531

University of Washington Department of Laboratory Medicine, University of Washington
Classification: Likely benign for Hereditary cancer-predisposing syndrome. Last evaluated: 2023-03-23. Review status: criteria provided, single submitter. Criteria: Dines et al. (Genet Med. 2020). Collection method: curation. Allele origin: germline.
Comment: Missense variant in a coldspot region where missense variants are very unlikely to be pathogenic (PMID:31911673).

BRCA2 exon 11 coldspot. Reclassification based on statistical prior probability.

Sema4
Classification: Uncertain significance for Hereditary cancer-predisposing syndrome. Last evaluated: 2021-07-02. Review status: criteria provided, single submitter. Criteria: Sema4 Curation Guidelines. Collection method: curation. Allele origin: germline.
Comment: The BRCA2 c.5900A>G (p.K1967R) variant has not been reported in the literature to our knowledge. This variant was not observed in the large and broad cohorts of Genome Aggregation Database (PMID: 32461654). This variant has been reported in ClinVar (Variation ID 418085 ). In silico tools suggest the impact of the variant on protein function is inconclusive, though these predictions have not been confirmed by functional studies. The overall evidence is insufficient to meet ACMG/AMP criteria for classifying it as benign or pathogenic. In summary, the clinical significance of this variant is currently uncertain.

GeneDx
Classification: Uncertain significance. Last evaluated: 2018-08-24. Review status: criteria provided, single submitter. Criteria: GeneDx Variant Classification (06012015). Collection method: clinical testing. Allele origin: germline. Affected: yes.
Comment: This variant is denoted BRCA2 c.5900A>G at the cDNA level, p.Lys1967Arg (K1967R) at the protein level, and results in the change of a Lysine to an Arginine (AAG>AGG). Using alternate nomenclature, this variant would be defined as BRCA2 6128A>G. This variant has not, to our knowledge, been published in the literature as a pathogenic or benign germline variant. BRCA2 Lys1967Arg was not observed in large population cohorts (Lek 2016). This variant is located in the RAD51 Binding Domain (Roy 2012). While protein-based in silico analysis supports that this variant does not alter protein structure/function, splicing models predict the creation of a new splice site. However, in the absence of RNA or functional studies, the actual effect of this variant is unknown. Based on currently available evidence, it is unclear whether BRCA2 Lys1967Arg is a pathogenic or benign variant. We consider it to be a variant of uncertain significance.

BRCAlab, Lund University
Classification: Uncertain significance for Breast-ovarian cancer, familial, susceptibility to, 2. Last evaluated: 2020-03-02. Review status: no assertion criteria provided. Collection method: clinical testing. Allele origin: germline. Affected: yes. Not counted in ClinVar's aggregate classification.

Literature cited by the submitters: PubMed 33273034 (cited by 4 submitters); PubMed 33471991 (cited by 4 submitters); PubMed 31911673 (cited by Quest Diagnostics Nichols Institute San Juan Capistrano); PubMed 38002934 (cited by Quest Diagnostics Nichols Institute San Juan Capistrano and Color Diagnostics, LLC DBA Color Health); PubMed 31131967 (cited by Quest Diagnostics Nichols Institute San Juan Capistrano and Color Diagnostics, LLC DBA Color Health).

NM_000059.4(BRCA2):c.5900A>G (p.Lys1967Arg)

Gene: BRCA2 (BRCA2 DNA repair associated; plus strand). Cytogenetic location: 13q13.1.
Variant type: single nucleotide variant.
Coding change: c.5900A>G on transcript NM_000059.4 (MANE Select); coding-DNA position 5900, A replaced by G.
Protein change: p.Lys1967Arg; replaces lysine 1967 with arginine.
Molecular consequence: missense variant.
Genome position (GRCh38, 1-based): chr13:32,340,255, A>G. VCF-style: chr13-32340255-A-G. GRCh37 (hg19) VCF-style: chr13-32914392-A-G.
Other names: short protein forms K1967R.
Identifiers: ClinVar variation 418085 (VCV000418085.28), dbSNP rs959089047, ClinGen allele CA16619732.
Genomic context (GRCh38, chr13:32,340,255, plus strand): 5'-CTTGTGATGTTAGTTTGGAAACTTCAGATATATGTAAATGTAGTATAGGGAAGCTTCATA[A>G]GTCAGTCTCATCTGCAAATACTTGTGGGATTTTTAGCACAGCAAGTGGAAAATCTGTCCA-3'
Protein context (NP_000050.3, residues 1957-1977): ICKCSIGKLH[Lys1967Arg]SVSSANTCGI